The following is an entry in ClinVar:

ClinVar aggregate classification (germline): Uncertain significance (1 of 4 stars; one submission).

Submission:

Labcorp Genetics (formerly Invitae), Labcorp
Classification: Uncertain significance. Last evaluated: 2019-06-20. Review status: criteria provided, single submitter. Criteria: Invitae Variant Classification Sherloc (09022015). Collection method: clinical testing. Allele origin: germline.
Comment: This variant has been observed in the literature in an individual with PHEX-related conditions (Invitae). This variant is not present in population databases (ExAC no frequency). This sequence change replaces alanine with aspartic acid at codon 135 of the PHEX protein (p.Ala135Asp). The alanine residue is highly conserved and there is a moderate physicochemical difference between alanine and aspartic acid. Algorithms developed to predict the effect of missense changes on protein structure and function (SIFT, PolyPhen-2, Align-GVGD) all suggest that this variant is likely to be disruptive, but these predictions have not been confirmed by published functional studies and their clinical significance is uncertain. In summary, the available evidence is currently insufficient to determine the role of this variant in disease. Therefore, it has been classified as a Variant of Uncertain Significance.

NM_000444.6(PHEX):c.404C>A (p.Ala135Asp)

Gene: PHEX (phosphate regulating endopeptidase X-linked; plus strand). Cytogenetic location: Xp22.11.
Variant type: single nucleotide variant.
Coding change: c.404C>A on transcript NM_000444.6 (MANE Select); coding-DNA position 404, C replaced by A.
Protein change: p.Ala135Asp; replaces alanine 135 with aspartic acid.
Molecular consequence: missense variant.
Genome position (GRCh38, 1-based): chrX:22,076,442, C>A. VCF-style: chrX-22076442-C-A. GRCh37 (hg19) VCF-style: chrX-22094560-C-A.
Other names: c.404C>A, p.Ala135Asp (NM_001282754.2); short protein forms A135D.
Identifiers: ClinVar variation 951401 (VCV000951401.9), dbSNP rs1929155246, ClinGen allele CA412571138.